The following is an entry in ClinVar:

ClinVar aggregate classification (germline): Uncertain significance (1 of 4 stars; one submission).

Conditions:
Familial meningioma. Also called: Meningioma, familial, susceptibility to. Identifiers: Orphanet 263662, MedGen C3551915, MONDO:0011789, OMIM 607174.

Submission:

Labcorp Genetics (formerly Invitae), Labcorp
Classification: Uncertain significance for Familial meningioma. Last evaluated: 2024-04-30. Review status: criteria provided, single submitter. Criteria: Invitae Variant Classification Sherloc (09022015). Collection method: clinical testing. Allele origin: germline.
Comment: This sequence change replaces threonine, which is neutral and polar, with serine, which is neutral and polar, at codon 387 of the SMARCE1 protein (p.Thr387Ser). This variant is not present in population databases (gnomAD no frequency). This variant has not been reported in the literature in individuals affected with SMARCE1-related conditions. Advanced modeling of protein sequence and biophysical properties (such as structural, functional, and spatial information, amino acid conservation, physicochemical variation, residue mobility, and thermodynamic stability) performed at Invitae indicates that this missense variant is not expected to disrupt SMARCE1 protein function with a negative predictive value of 80%. In summary, the available evidence is currently insufficient to determine the role of this variant in disease. Therefore, it has been classified as a Variant of Uncertain Significance.

NM_003079.5(SMARCE1):c.1160C>G (p.Thr387Ser)

Gene: SMARCE1 (SWI/SNF related BAF chromatin remodeling complex subunit E1; minus strand). Cytogenetic location: 17q21.2.
Variant type: single nucleotide variant.
Coding change: c.1160C>G on transcript NM_003079.5 (MANE Select); coding-DNA position 1160, C replaced by G.
Protein change: p.Thr387Ser; replaces threonine 387 with serine.
Molecular consequence: missense variant.
Genome position (GRCh38, 1-based): chr17:40,628,861, G>C on the plus strand (C>G on the coding strand, the complement: SMARCE1 is on the minus strand). VCF-style: chr17-40628861-G-C. GRCh37 (hg19) VCF-style: chr17-38785113-G-C.
Other names: short protein forms T387S.
Identifiers: ClinVar variation 3719575 (VCV003719575.2).